The following is an entry in ClinVar:

NM_025009.5(CEP135):c.1360C>T (p.Arg454Ter)

Gene: CEP135 (centrosomal protein 135; plus strand). Cytogenetic location: 4q12.
Variant type: single nucleotide variant.
Coding change: c.1360C>T on transcript NM_025009.5 (MANE Select); coding-DNA position 1360, C replaced by T.
Protein change: p.Arg454Ter; replaces arginine 454 with a stop codon.
Molecular consequence: nonsense.
Genome position (GRCh38, 1-based): chr4:55,974,856, C>T. VCF-style: chr4-55974856-C-T. GRCh37 (hg19) VCF-style: chr4-56841022-C-T.
Other names: short protein forms R454*.
Identifiers: ClinVar variation 2959347 (VCV002959347.3), dbSNP rs76055256, ClinGen allele CA2927845.
Genomic context (GRCh38, chr4:55,974,856, plus strand): 5'-AAACGTCGAGACAGGTCACCTTCTCGTTTAGATACATTTCTGAAAGGTATAGAAGAAGAA[C>T]GAGATTATTATAAGAAAGAGCTAGAGAGACTCCAACATATAATACAGCGAAGATCTTGCT-3'

ClinVar aggregate classification (germline): Pathogenic (1 of 4 stars; one submission).

gnomAD v4.1: 23 of 1,613,526 alleles (0.0014%); highest among the groups gnomAD compares: East Asian, 0.016%; no homozygotes.

Submission:

Labcorp Genetics (formerly Invitae), Labcorp
Classification: Pathogenic. Last evaluated: 2023-07-11. Review status: criteria provided, single submitter. Criteria: Invitae Variant Classification Sherloc (09022015). Collection method: clinical testing. Allele origin: germline.
Comment: For these reasons, this variant has been classified as Pathogenic. This variant has not been reported in the literature in individuals affected with CEP135-related conditions. This variant is present in population databases (rs76055256, gnomAD 0.04%). This sequence change creates a premature translational stop signal (p.Arg454*) in the CEP135 gene. It is expected to result in an absent or disrupted protein product. Loss-of-function variants in CEP135 are known to be pathogenic (PMID: 22521416, 26657937).

Literature cited by the submitters: PubMed 22521416; PubMed 26657937.